The following is an entry in ClinVar:

NM_033453.4(ITPA):c.532C>T (p.Arg178Cys)

Gene: ITPA (inosine triphosphatase; plus strand). Cytogenetic location: 20p13.
Variant type: single nucleotide variant.
Coding change: c.532C>T on transcript NM_033453.4 (MANE Select); coding-DNA position 532, C replaced by T.
Protein change: p.Arg178Cys; replaces arginine 178 with cysteine.
Molecular consequence: missense variant. On other transcripts: synonymous variant (4), non-coding transcript variant (2), intron variant (1).
Genome position (GRCh38, 1-based): chr20:3,223,409, C>T. VCF-style: chr20-3223409-C-T. GRCh37 (hg19) VCF-style: chr20-3204055-C-T.
Other names: c.409C>T, p.Arg137Cys (NM_001267623.2); c.195C>T, p.Ile65= (NM_001324236.2, NM_001324237.2, NM_001324238.2 and 1 more transcripts); c.481C>T, p.Arg161Cys (NM_181493.4); c.412-3274C>T (NM_001324240.2); short protein forms R178C, R161C, R137C.
Identifiers: ClinVar variation 218090 (VCV000218090.12), dbSNP rs746930990, ClinGen allele CA210447.

ClinVar aggregate classification (germline): Conflicting classifications of pathogenicity. Review status: criteria provided, conflicting classifications (1 of 4 stars). 5 submissions from 5 submitters: Pathogenic (2); Likely pathogenic (1); Uncertain significance (1). 1 of the submissions does not count toward it. Last evaluated 2026-01-27.

Conditions:
Infantile epileptic dyskinetic encephalopathy. Identifiers: Orphanet 364063, MedGen C4552072, MONDO:0018226.
ITPA-related disorder. Also called: ITPA-related condition.
Developmental and epileptic encephalopathy, 35 (DEE35). Also called: Epileptic encephalopathy, early infantile, 35. Identifiers: Orphanet 457375, MedGen C4225256, MONDO:0014719, OMIM 616647.
Inosine triphosphatase deficiency. Also called: INOSINE TRIPHOSPHATE PYROPHOSPHOHYDROLASE DEFICIENCY. Identifiers: MedGen C0342800, MONDO:0013461, OMIM 613850.

Allele frequency attached by ClinVar (database versions not stated): gnomAD exomes below 0.00001; ExAC 0.00001; gnomAD 0.00001.
gnomAD v4.1: 2 of 1,613,824 alleles (0.00012%); highest among the groups gnomAD compares: Non-Finnish European, 0.00017%; no homozygotes.

Submissions (5):

Women's Health and Genetics/Laboratory Corporation of America, LabCorp
Classification: Likely pathogenic for Infantile epileptic dyskinetic encephalopathy. Last evaluated: 2026-01-27. Review status: criteria provided, single submitter. Criteria: LabCorp Variant Classification Summary - May 2015. Collection method: clinical testing. Allele origin: germline.
Comment: Variant summary: ITPA c.532C>T (p.Arg178Cys) results in a non-conservative amino acid change in the encoded protein sequence. Algorithms developed to predict the effect of missense changes on protein structure and function all suggest that this variant is likely to be disruptive. The variant allele was found at a frequency of 4e-06 in 250780 control chromosomes (gnomAD). c.532C>T has been observed in at least one individual affected with Early Infantile Epileptic Encephalopathy, 35 (Kevelam_2015). These data indicate that the variant may be associated with disease. At least one publication reports experimental evidence evaluating an impact on protein function and this variant results in significantly reduced enzyme activity (Kevelam_2015, Houndonougbo_2020). The following publications have been ascertained in the context of this evaluation (PMID: 26224535, 32129147, 34645488). ClinVar contains an entry for this variant (Variation ID: 218090). Based on the evidence outlined above, the variant was classified as likely pathogenic.

PreventionGenetics, part of Exact Sciences
Classification: Pathogenic for ITPA-related condition. Last evaluated: 2023-07-20. Review status: criteria provided, single submitter. Criteria: ACMG Guidelines, 2015. Collection method: clinical testing. Allele origin: germline.
Comment: The ITPA c.532C>T variant is predicted to result in the amino acid substitution p.Arg178Cys. This variant has been reported to be pathogenic for early infantile encephalopathy due to severely reduced inosine triphosphate pyrophosphatase (ITPase) activity (Kevelam et al. 2015. PubMed ID: 26224535; Shamseldin et al. 2021. PubMed ID: 34645488, Supplementary table S1). This variant is reported in 0.0029% of alleles in individuals of Latino descent in gnomAD. This variant is interpreted as pathogenic.

Labcorp Genetics (formerly Invitae), Labcorp
Classification: Uncertain significance for Inosine triphosphatase deficiency. Last evaluated: 2022-07-23. Review status: criteria provided, single submitter. Criteria: Invitae Variant Classification Sherloc (09022015). Collection method: clinical testing. Allele origin: germline.
Comment: This sequence change replaces arginine, which is basic and polar, with cysteine, which is neutral and slightly polar, at codon 178 of the ITPA protein (p.Arg178Cys). The frequency data for this variant in the population databases is considered unreliable, as metrics indicate poor data quality at this position in the gnomAD database. This missense change has been observed in individual(s) with early infantile encephalopathy (PMID: 26224535). ClinVar contains an entry for this variant (Variation ID: 218090). Algorithms developed to predict the effect of missense changes on protein structure and function (SIFT, PolyPhen-2, Align-GVGD) all suggest that this variant is likely to be disruptive. Experimental studies have shown that this missense change affects ITPA function (PMID: 32129147). In summary, the available evidence is currently insufficient to determine the role of this variant in disease. Therefore, it has been classified as a Variant of Uncertain Significance.

GeneDx
Classification: Pathogenic. Last evaluated: 2022-02-17. Review status: criteria provided, single submitter. Criteria: GeneDx Variant Classification Process June 2021. Collection method: clinical testing. Allele origin: germline. Affected: yes.
Comment: Published functional studies demonstrate a damaging effect as R178C significantly reduces ITPA activity (Houndonougbo et al., 2021); Not observed at significant frequency in large population cohorts (gnomAD); In silico analysis supports that this missense variant has a deleterious effect on protein structure/function; This variant is associated with the following publications: (PMID: 34645488, 27770805, 26224535, Zamzami2022[Review], 23770441, 34989426, 32129147)

OMIM
Classification: Pathogenic for DEVELOPMENTAL AND EPILEPTIC ENCEPHALOPATHY 35. Last evaluated: 2015-10-01. Review status: no assertion criteria provided. Collection method: literature only. Allele origin: germline. Not counted in ClinVar's aggregate classification.

Literature cited by the submitters: PubMed 34645488 (cited by Women's Health and Genetics/Laboratory Corporation of America, LabCorp); PubMed 26224535 (cited by 3 submitters); PubMed 32129147 (cited by Women's Health and Genetics/Laboratory Corporation of America, LabCorp and Labcorp Genetics (formerly Invitae), Labcorp).